The following is an entry in ClinVar:

NM_001039141.3(TRIOBP):c.483G>A (p.Glu161=)

Gene: TRIOBP (TRIO and F-actin binding protein; plus strand). Cytogenetic location: 22q13.1.
Variant type: single nucleotide variant.
Coding change: c.483G>A on transcript NM_001039141.3 (MANE Select); coding-DNA position 483, G replaced by A.
Protein change: p.Glu161=; no amino-acid change (glutamic acid 161 retained).
Molecular consequence: synonymous variant.
Genome position (GRCh38, 1-based): chr22:37,715,789, G>A. VCF-style: chr22-37715789-G-A. GRCh37 (hg19) VCF-style: chr22-38111796-G-A.
Identifiers: ClinVar variation 178553 (VCV000178553.19), dbSNP rs368119524, ClinGen allele CA182544.

ClinVar aggregate classification (germline): Conflicting classifications of pathogenicity. Review status: criteria provided, conflicting classifications (1 of 4 stars). 4 submissions from 4 submitters: Uncertain significance (1); Likely benign (3). Last evaluated 2025-09-07.

Allele frequency attached by ClinVar (database versions not stated): 1000 Genomes Project 30x 0.00016; 1000 Genomes Project 0.00020; gnomAD exomes 0.00023 and 0.00027; gnomAD 0.00028; TOPMed 0.00030; ExAC 0.00032; ESP Exome Variant Server 0.00042.
gnomAD v4.1: 423 of 1,614,108 alleles (0.026%); highest among the groups gnomAD compares: Non-Finnish European, 0.034%; no homozygotes.

Submissions (4):

Labcorp Genetics (formerly Invitae), Labcorp
Classification: Likely benign. Last evaluated: 2025-09-07. Review status: criteria provided, single submitter. Criteria: Invitae Variant Classification Sherloc (09022015). Collection method: clinical testing. Allele origin: germline.

Blueprint Genetics
Classification: Likely benign. Last evaluated: 2024-11-27. Review status: criteria provided, single submitter. Criteria: ACMG Guidelines, 2015. Collection method: clinical testing. Allele origin: germline.

Laboratory for Molecular Medicine, Mass General Brigham Personalized Medicine
Classification: Likely benign. Last evaluated: 2015-12-24. Review status: criteria provided, single submitter. Criteria: LMM Criteria. Collection method: clinical testing. Allele origin: germline. Observed: 2 variant alleles.
Comment: p.Glu161Glu in exon 6 of TRIOBP: This variant is not expected to have clinical s ignificance because it does not alter an amino acid residue, is not located with in the splice consensus sequence, and has been identified in 33/64554 European c hromosomes by the Exome Aggregation Consortium (ExAC .org; dbSNP rs368119524).

Eurofins Ntd Llc (ga)
Classification: Uncertain significance. Last evaluated: 2014-11-04. Review status: criteria provided, single submitter. Criteria: EGL Classification Definitions 2015. Collection method: clinical testing. Allele origin: germline. Observed: 2 variant alleles, 2 heterozygotes.